The following is an entry in ClinVar:

NM_005188.4(CBL):c.1613C>A (p.Thr538Lys)

Gene: CBL (Cbl proto-oncogene; plus strand). Cytogenetic location: 11q23.3.
Variant type: single nucleotide variant.
Coding change: c.1613C>A on transcript NM_005188.4 (MANE Select); coding-DNA position 1613, C replaced by A.
Protein change: p.Thr538Lys; replaces threonine 538 with lysine.
Molecular consequence: missense variant.
Genome position (GRCh38, 1-based): chr11:119,285,238, C>A. VCF-style: chr11-119285238-C-A. GRCh37 (hg19) VCF-style: chr11-119155948-C-A.
Other names: short protein forms T538K.
Identifiers: ClinVar variation 3485606 (VCV003485606.1).
Genomic context (GRCh38, chr11:119,285,238, plus strand): 5'-TGCTTCCACAGGCTGCTTCTGGCTCCCTTCATAAAGACAAACCATTGCCAGTACCTCCCA[C>A]ACTTCGAGATCTTCCACCACCACCGCCTCCAGACCGGCCATATTCTGTTGGAGCAGAATC-3'
Protein context (NP_005179.2, residues 528-548): HKDKPLPVPP[Thr538Lys]LRDLPPPPPP

ClinVar aggregate classification (germline): Uncertain significance (1 of 4 stars; one submission).

Conditions:
Cardiovascular phenotype. Identifiers: MedGen CN230736.

Submission:

Ambry Genetics
Classification: Uncertain significance for Cardiovascular phenotype. Last evaluated: 2024-11-18. Review status: criteria provided, single submitter. Criteria: Ambry Variant Classification Scheme 2023. Collection method: clinical testing. Allele origin: germline.
Comment: The p.T538K variant (also known as c.1613C>A), located in coding exon 11 of the CBL gene, results from a C to A substitution at nucleotide position 1613. The threonine at codon 538 is replaced by lysine, an amino acid with similar properties. This amino acid position is conserved. In addition, the in silico prediction for this alteration is inconclusive. Based on the available evidence, the clinical significance of this variant remains unclear.